The following is an entry in ClinVar:

NM_032119.4(ADGRV1):c.8591C>G (p.Thr2864Arg)

Gene: ADGRV1 (adhesion G protein-coupled receptor V1; plus strand). Cytogenetic location: 5q14.3.
Variant type: single nucleotide variant.
Coding change: c.8591C>G on transcript NM_032119.4 (MANE Select); coding-DNA position 8591, C replaced by G.
Protein change: p.Thr2864Arg; replaces threonine 2864 with arginine.
Molecular consequence: missense variant. On other transcripts: non-coding transcript variant (1).
Genome position (GRCh38, 1-based): chr5:90,706,255, C>G. VCF-style: chr5-90706255-C-G. GRCh37 (hg19) VCF-style: chr5-90002072-C-G.
Other names: short protein forms T2864R.
Identifiers: ClinVar variation 1318737 (VCV001318737.2), dbSNP rs397517440, ClinGen allele CA360391854.

ClinVar aggregate classification (germline): Uncertain significance (1 of 4 stars; one submission).

Submission:

GeneDx
Classification: Uncertain significance. Last evaluated: 2020-07-20. Review status: criteria provided, single submitter. Criteria: GeneDx Variant Classification Process June 2021. Collection method: clinical testing. Allele origin: germline. Affected: yes.
Comment: Not observed in large population cohorts (Lek et al., 2016); In silico analysis supports that this missense variant has a deleterious effect on protein structure/function; Has not been previously published as pathogenic or benign to our knowledge; In-silico analysis is inconclusive as to whether the variant alters gene splicing. In the absence of RNA/functional studies, the actual effect of this sequence change is unknown.